The following is an entry in ClinVar:

ClinVar aggregate classification (germline): Uncertain significance (1 of 4 stars; one submission).

Conditions:
Ataxia-telangiectasia syndrome (AT). Also called: LOUIS-BAR SYNDROME; Ataxia telangiectasia (A-T); Cerebello-oculocutaneous telangiectasia; Immunodeficiency with ataxia telangiectasia; ATAXIA-TELANGIECTASIA, COMPLEMENTATION GROUP A; ATAXIA-TELANGIECTASIA, FRESNO VARIANT. Identifiers: Orphanet 100, MedGen C0004135, MONDO:0008840, OMIM 208900.

Allele frequency attached by ClinVar (database versions not stated): gnomAD 0.00001; TOPMed 0.00001.
gnomAD v4.1: 1 of 1,613,750 alleles (0.000062%); highest among the groups gnomAD compares: Non-Finnish European, 0.000085%; no homozygotes.

Submission:

Labcorp Genetics (formerly Invitae), Labcorp
Classification: Uncertain significance for Ataxia-telangiectasia syndrome. Last evaluated: 2024-11-16. Review status: criteria provided, single submitter. Criteria: Invitae Variant Classification Sherloc (09022015). Collection method: clinical testing. Allele origin: germline.
Comment: This sequence change replaces leucine, which is neutral and non-polar, with tryptophan, which is neutral and slightly polar, at codon 542 of the ATM protein (p.Leu542Trp). This variant is not present in population databases (gnomAD no frequency). This missense change has been observed in individual(s) with epiglottic cancer and/or pancreatic cancer (PMID: 27449771). ClinVar contains an entry for this variant (Variation ID: 2137237). Invitae Evidence Modeling of protein sequence and biophysical properties (such as structural, functional, and spatial information, amino acid conservation, physicochemical variation, residue mobility, and thermodynamic stability) has been performed for this missense variant. However, the output from this modeling did not meet the statistical confidence thresholds required to predict the impact of this variant on ATM protein function. In summary, the available evidence is currently insufficient to determine the role of this variant in disease. Therefore, it has been classified as a Variant of Uncertain Significance.

Literature cited by the submitters: PubMed 27449771.

NM_000051.4(ATM):c.1625T>G (p.Leu542Trp)

Gene: ATM (ATM serine/threonine kinase; plus strand). Cytogenetic location: 11q22.3.
Variant type: single nucleotide variant.
Coding change: c.1625T>G on transcript NM_000051.4 (MANE Select); coding-DNA position 1625, T replaced by G.
Protein change: p.Leu542Trp; replaces leucine 542 with tryptophan.
Molecular consequence: missense variant.
Genome position (GRCh38, 1-based): chr11:108,251,854, T>G. VCF-style: chr11-108251854-T-G. GRCh37 (hg19) VCF-style: chr11-108122581-T-G.
Other names: c.1625T>G, p.Leu542Trp (NM_001351834.2); short protein forms L542W.
Identifiers: ClinVar variation 2137237 (VCV002137237.4), dbSNP rs910501639, ClinGen allele CA228391746.